The following is an entry in ClinVar:

ClinVar aggregate classification (germline): Uncertain significance. Review status: criteria provided, multiple submitters, no conflicts (2 of 4 stars). 3 submissions from 3 submitters: Uncertain significance (3). Last evaluated 2025-01-15.

Conditions:
Inborn genetic diseases. Identifiers: MedGen C0950123, MeSH D030342.
Joubert syndrome. Also called: Familial aplasia of the vermis; JOUBERT-BOLTSHAUSER SYNDROME. Identifiers: Orphanet 475, MedGen C5979921, MONDO:0018772.
Meckel-Gruber syndrome. Also called: GRUBER SYNDROME; Dysencephalia splachnocystica; DYSENCEPHALIA SPLANCHNOCYSTICA. Identifiers: Orphanet 564, MedGen C0265215, MONDO:0018921.
Nephronophthisis. Also called: Juvenile Nephronophthisis. Identifiers: Orphanet 655, MedGen C0687120, MONDO:0019005, HP:0000090.

Allele frequency attached by ClinVar (database versions not stated): gnomAD exomes below 0.00001; gnomAD 0.00001.
gnomAD v4.1: 7 of 1,608,968 alleles (0.00044%); highest among the groups gnomAD compares: Admixed American, 0.0034%; no homozygotes.

Submissions (3):

Labcorp Genetics (formerly Invitae), Labcorp
Classification: Uncertain significance for Joubert syndrome; Meckel-Gruber syndrome; Nephronophthisis. Last evaluated: 2025-01-15. Review status: criteria provided, single submitter. Criteria: Invitae Variant Classification Sherloc (09022015). Collection method: clinical testing. Allele origin: germline.
Comment: This sequence change replaces leucine, which is neutral and non-polar, with methionine, which is neutral and non-polar, at codon 1496 of the CEP290 protein (p.Leu1496Met). This variant is present in population databases (no rsID available, gnomAD no frequency). This variant has not been reported in the literature in individuals affected with CEP290-related conditions. ClinVar contains an entry for this variant (Variation ID: 1353409). Invitae Evidence Modeling of protein sequence and biophysical properties (such as structural, functional, and spatial information, amino acid conservation, physicochemical variation, residue mobility, and thermodynamic stability) indicates that this missense variant is expected to disrupt CEP290 protein function with a positive predictive value of 80%. In summary, the available evidence is currently insufficient to determine the role of this variant in disease. Therefore, it has been classified as a Variant of Uncertain Significance.

Ambry Genetics
Classification: Uncertain significance for Inborn genetic diseases. Last evaluated: 2024-11-24. Review status: criteria provided, single submitter. Criteria: Ambry Variant Classification Scheme 2023. Collection method: clinical testing. Allele origin: germline.

Blueprint Genetics
Classification: Uncertain significance. Last evaluated: 2024-05-22. Review status: criteria provided, single submitter. Criteria: ACMG Guidelines, 2015. Collection method: clinical testing. Allele origin: germline.

NM_025114.4(CEP290):c.4486C>A (p.Leu1496Met)

Gene: CEP290 (centrosomal protein 290; minus strand). Cytogenetic location: 12q21.32.
Variant type: single nucleotide variant.
Coding change: c.4486C>A on transcript NM_025114.4 (MANE Select); coding-DNA position 4486, C replaced by A.
Protein change: p.Leu1496Met; replaces leucine 1496 with methionine.
Molecular consequence: missense variant.
Genome position (GRCh38, 1-based): chr12:88,084,804, G>T on the plus strand (C>A on the coding strand, the complement: CEP290 is on the minus strand). VCF-style: chr12-88084804-G-T. GRCh37 (hg19) VCF-style: chr12-88478581-G-T.
Other names: c.4486C>A (NM_025114.3); short protein forms L1496M.
Identifiers: ClinVar variation 1353409 (VCV001353409.7), dbSNP rs1026690396, ClinGen allele CA241160229.
Genomic context (GRCh38, chr12:88,084,804, plus strand): 5'-CTCTTTCTGCAGTGGCAGGCAATCGAAGCCTCAGTTCATTGATTACTTTGTCTCTTGACA[G>T]TATATTTTGTTCTGCTAACCTTAAAGCAGATTCTTTCTCTTTTAGTTTCTGCAATGATTA-3'
Protein context (NP_079390.3, residues 1486-1506): SALRLAEQNI[Leu1496Met]SRDKVINELR